The following is an entry in ClinVar:

NM_145290.4(ADGRA3):c.2449A>G (p.Thr817Ala)

Gene: ADGRA3 (adhesion G protein-coupled receptor A3; minus strand). Cytogenetic location: 4p15.2.
Variant type: single nucleotide variant.
Coding change: c.2449A>G on transcript NM_145290.4 (MANE Select); coding-DNA position 2449, A replaced by G.
Protein change: p.Thr817Ala; replaces threonine 817 with alanine.
Molecular consequence: missense variant.
Genome position (GRCh38, 1-based): chr4:22,401,463, T>C on the plus strand (A>G on the coding strand, the complement: ADGRA3 is on the minus strand). VCF-style: chr4-22401463-T-C. GRCh37 (hg19) VCF-style: chr4-22403086-T-C.
Other names: short protein forms T817A.
Identifiers: ClinVar variation 2548585 (VCV002548585.4), dbSNP rs758897543, ClinGen allele CA2873636.

ClinVar aggregate classification (germline): Uncertain significance. Review status: criteria provided, multiple submitters, no conflicts (2 of 4 stars). 2 submissions from 2 submitters: Uncertain significance (2). Last evaluated 2024-06-05.

Allele frequency attached by ClinVar (database versions not stated): gnomAD exomes below 0.00001; gnomAD 0.00001; ExAC 0.00002; TOPMed 0.00002.
gnomAD v4.1: 4 of 1,611,888 alleles (0.00025%); highest among the groups gnomAD compares: East Asian, 0.0089%; no homozygotes.

Submissions (2):

Labcorp Genetics (formerly Invitae), Labcorp
Classification: Uncertain significance. Last evaluated: 2024-06-05. Review status: criteria provided, single submitter. Criteria: Invitae Variant Classification Sherloc (09022015). Collection method: clinical testing. Allele origin: germline.
Comment: This sequence change replaces threonine, which is neutral and polar, with alanine, which is neutral and non-polar, at codon 817 of the ADGRA3 protein (p.Thr817Ala). This variant is present in population databases (rs758897543, gnomAD 0.03%). This variant has not been reported in the literature in individuals affected with ADGRA3-related conditions. ClinVar contains an entry for this variant (Variation ID: 2548585). An algorithm developed to predict the effect of missense changes on protein structure and function (PolyPhen-2) suggests that this variant is likely to be tolerated. In summary, the available evidence is currently insufficient to determine the role of this variant in disease. Therefore, it has been classified as a Variant of Uncertain Significance.

Ambry Genetics
Classification: Uncertain significance. Last evaluated: 2023-05-18. Review status: criteria provided, single submitter. Criteria: Ambry Variant Classification Scheme 2023. Collection method: clinical testing. Allele origin: germline.